The following is an entry in ClinVar:

ClinVar aggregate classification (germline): Uncertain significance. Review status: criteria provided, multiple submitters, no conflicts (2 of 4 stars). 4 submissions from 4 submitters: Uncertain significance (3). 1 of the submissions does not count toward it. Last evaluated 2024-11-05.

Conditions:
Cornelia de Lange syndrome 4 (CDLS4). Also called: CORNELIA DE LANGE SYNDROME 4 WITH OR WITHOUT MIDLINE BRAIN DEFECTS; RAD21-Related Cornelia de Lange Syndrome. Identifiers: Orphanet 199, MedGen C3553517, MONDO:0013864, OMIM 614701.
Mungan syndrome (MGS). Identifiers: MedGen C1969653, MONDO:0012657, OMIM 611376.
Hereditary cancer-predisposing syndrome. Also called: Hereditary Cancer Syndrome; Tumor predisposition; Hereditary neoplastic syndrome; Neoplastic Syndromes, Hereditary. Identifiers: Orphanet 140162, MedGen C0027672, MeSH D009386, MONDO:0015356.

Allele frequency attached by ClinVar (database versions not stated): gnomAD 0.00004; gnomAD exomes 0.00006; ESP Exome Variant Server 0.00008.
gnomAD v4.1: 84 of 1,604,404 alleles (0.0052%); highest among the groups gnomAD compares: Non-Finnish European, 0.0069%; no homozygotes.

Submissions (4):

Labcorp Genetics (formerly Invitae), Labcorp
Classification: Uncertain significance for Cornelia de Lange syndrome 4. Last evaluated: 2024-11-05. Review status: criteria provided, single submitter. Criteria: Invitae Variant Classification Sherloc (09022015). Collection method: clinical testing. Allele origin: germline.
Comment: This sequence change replaces proline, which is neutral and non-polar, with alanine, which is neutral and non-polar, at codon 298 of the RAD21 protein (p.Pro298Ala). This variant is present in population databases (rs148308569, gnomAD 0.004%). This variant has not been reported in the literature in individuals affected with RAD21-related conditions. ClinVar contains an entry for this variant (Variation ID: 624343). Invitae Evidence Modeling of protein sequence and biophysical properties (such as structural, functional, and spatial information, amino acid conservation, physicochemical variation, residue mobility, and thermodynamic stability) indicates that this missense variant is not expected to disrupt RAD21 protein function with a negative predictive value of 95%. In summary, the available evidence is currently insufficient to determine the role of this variant in disease. Therefore, it has been classified as a Variant of Uncertain Significance.

Department of Pathology and Laboratory Medicine, Sinai Health System
Classification: Uncertain significance for Mungan syndrome; Cornelia de Lange syndrome 4. Last evaluated: 2023-05-10. Review status: criteria provided, single submitter. Criteria: ACMG Guidelines, 2015. Collection method: research. Allele origin: germline.

CeGaT Center for Human Genetics Tuebingen
Classification: Uncertain significance. Last evaluated: 2018-06-01. Review status: criteria provided, single submitter. Criteria: CeGaT Center For Human Genetics Tuebingen Variant Classification Criteria Version 2. Collection method: clinical testing. Allele origin: germline. Affected: yes. Observed: 1 variant allele.

Hauer Lab, Department Of Pediatric Oncology, Technical University Munich
Classification: Likely pathogenic for Hereditary cancer-predisposing syndrome. Review status: no assertion criteria provided. Collection method: research. Allele origin: germline. Affected: yes. Observed: 1 heterozygote. Not counted in ClinVar's aggregate classification.

Literature cited by the submitters: DOI 10.3390/ijms23095174 (cited by Hauer Lab, Department Of Pediatric Oncology, Technical University Munich).

NM_006265.3(RAD21):c.892C>G (p.Pro298Ala)

Gene: RAD21 (RAD21 cohesin complex component; minus strand). Cytogenetic location: 8q24.11.
Variant type: single nucleotide variant.
Coding change: c.892C>G on transcript NM_006265.3 (MANE Select); coding-DNA position 892, C replaced by G.
Protein change: p.Pro298Ala; replaces proline 298 with alanine.
Molecular consequence: missense variant.
Genome position (GRCh38, 1-based): chr8:116,856,211, G>C on the plus strand (C>G on the coding strand, the complement: RAD21 is on the minus strand). VCF-style: chr8-116856211-G-C. GRCh37 (hg19) VCF-style: chr8-117868450-G-C.
Other names: short protein forms P298A.
Identifiers: ClinVar variation 624343 (VCV000624343.51), dbSNP rs148308569, ClinGen allele CA4852956.